The following is an entry in ClinVar:

NM_001127222.2(CACNA1A):c.5803C>A (p.Gln1935Lys)

Gene: CACNA1A (calcium voltage-gated channel subunit alpha1 A; minus strand). Cytogenetic location: 19p13.13.
Variant type: single nucleotide variant.
Coding change: c.5803C>A on transcript NM_001127222.2 (MANE Select); coding-DNA position 5803, C replaced by A.
Protein change: p.Gln1935Lys; replaces glutamine 1935 with lysine.
Molecular consequence: missense variant.
Genome position (GRCh38, 1-based): chr19:13,214,537, G>T on the plus strand (C>A on the coding strand, the complement: CACNA1A is on the minus strand). VCF-style: chr19-13214537-G-T. GRCh37 (hg19) VCF-style: chr19-13325351-G-T.
Other names: c.5821C>A, p.Gln1941Lys (NM_000068.4, NM_023035.3); c.5806C>A, p.Gln1936Lys (NM_001127221.2); c.5812C>A, p.Gln1938Lys (NM_001174080.2); short protein forms Q1935K, Q1936K, Q1938K, Q1941K.
Identifiers: ClinVar variation 1312294 (VCV001312294.7), dbSNP rs2144537491, ClinGen allele CA404334402.

ClinVar aggregate classification (germline): Uncertain significance. Review status: criteria provided, multiple submitters, no conflicts (2 of 4 stars). 2 submissions from 2 submitters: Uncertain significance (2). Last evaluated 2023-10-13.

Conditions:
Episodic ataxia type 2 (EA2). Also called: ATAXIA, EPISODIC, WITH NYSTAGMUS; ATAXIA, FAMILIAL PAROXYSMAL; CEREBELLAR ATAXIA, PAROXYSMAL, ACETAZOLAMIDE-RESPONSIVE; CEREBELLOPATHY, HEREDITARY PAROXYSMAL; EPISODIC ATAXIA, NYSTAGMUS-ASSOCIATED; ACETAZOLAMIDE-RESPONSIVE HEREDITARY PAROXYSMAL CEREBELLAR ATAXIA. Identifiers: Orphanet 97, MedGen C1720416, MONDO:0007163, OMIM 108500.
Developmental and epileptic encephalopathy, 42 (DEE42A). Also called: Epileptic encephalopathy, early infantile, 42; DEVELOPMENTAL AND EPILEPTIC ENCEPHALOPATHY 42A; EPILEPTIC ENCEPHALOPATHY, EARLY INFANTILE, 42A. Identifiers: MedGen C4310716, MONDO:0014917, OMIM 617106.

Allele frequency attached by ClinVar (database versions not stated): gnomAD exomes below 0.00001.
gnomAD v4.1: 1 of 1,613,944 alleles (0.000062%); highest among the groups gnomAD compares: Non-Finnish European, 0.000085%; no homozygotes.

Submissions (2):

Labcorp Genetics (formerly Invitae), Labcorp
Classification: Uncertain significance for Developmental and epileptic encephalopathy, 42; Episodic ataxia type 2. Last evaluated: 2023-10-13. Review status: criteria provided, single submitter. Criteria: Invitae Variant Classification Sherloc (09022015). Collection method: clinical testing. Allele origin: germline.
Comment: This sequence change replaces glutamine, which is neutral and polar, with lysine, which is basic and polar, at codon 1936 of the CACNA1A protein (p.Gln1936Lys). This variant is not present in population databases (gnomAD no frequency). This variant has not been reported in the literature in individuals affected with CACNA1A-related conditions. ClinVar contains an entry for this variant (Variation ID: 1312294). Advanced modeling of protein sequence and biophysical properties (such as structural, functional, and spatial information, amino acid conservation, physicochemical variation, residue mobility, and thermodynamic stability) performed at Invitae indicates that this missense variant is not expected to disrupt CACNA1A protein function. In summary, the available evidence is currently insufficient to determine the role of this variant in disease. Therefore, it has been classified as a Variant of Uncertain Significance.

GeneDx
Classification: Uncertain significance. Last evaluated: 2019-09-18. Review status: criteria provided, single submitter. Criteria: GeneDx Variant Classification Process June 2021. Collection method: clinical testing. Allele origin: germline. Affected: yes.
Comment: Not observed in large population cohorts (Lek et al., 2016); In silico analysis, which includes protein predictors and evolutionary conservation, supports a deleterious effect; Has not been previously published as pathogenic or benign to our knowledge